The following is an entry in ClinVar:

NM_001012277.5(PRAMEF7):c.1397A>T (p.Asp466Val)

Gene: PRAMEF7 (PRAME family member 7; plus strand). Cytogenetic location: 1p36.21.
Variant type: single nucleotide variant.
Coding change: c.1397A>T on transcript NM_001012277.5 (MANE Select); coding-DNA position 1397, A replaced by T.
Protein change: p.Asp466Val; replaces aspartic acid 466 with valine.
Molecular consequence: missense variant.
Genome position (GRCh38, 1-based): chr1:12,920,385, A>T. VCF-style: chr1-12920385-A-T. GRCh37 (hg19) VCF-style: chr1-12980205-A-T.
Other names: short protein forms D466V.
Identifiers: ClinVar variation 5027250 (VCV005027250.1).

ClinVar aggregate classification (germline): Uncertain significance (1 of 4 stars; one submission).

Submission:

Ambry Genetics
Classification: Uncertain significance. Last evaluated: 2026-08-12. Review status: criteria provided, single submitter. Criteria: Ambry Variant Classification Scheme 2023. Collection method: clinical testing. Allele origin: germline.
Comment: The c.1397A>T (p.D466V) alteration is located in exon 3 (coding exon 3) of the PRAMEF7 gene. This alteration results from a A to T substitution at nucleotide position 1397, causing the aspartic acid (D) at amino acid position 466 to be replaced by a valine (V). Based on data from gnomAD, the T allele has an overall frequency of 0.01% (2/19570) total alleles studied. The highest observed frequency was 0.038% (2/5302) of African alleles. Based on insufficient or conflicting evidence, the clinical significance of this alteration remains unclear.